The following is an entry in ClinVar:

ClinVar aggregate classification (germline): Uncertain significance (1 of 4 stars; one submission).

gnomAD v4.1: 1 of 1,613,470 alleles (0.000062%); highest among the groups gnomAD compares: Non-Finnish European, 0.000085%; no homozygotes.

Submission:

Centre of Medical Genetics, University Hospital Muenster
Classification: Uncertain significance. Last evaluated: 2025-03-13. Review status: criteria provided, single submitter. Criteria: ACMG Guidelines, 2015. Collection method: clinical testing. Allele origin: unknown. Affected: yes. Observed: 1 variant allele, 1 heterozygote.
Comment: ACMG categories: PM2,PP3,PP4

NM_001081.4(CUBN):c.182T>C (p.Ile61Thr)

Gene: CUBN (cubilin; minus strand). Cytogenetic location: 10p13.
Variant type: single nucleotide variant.
Coding change: c.182T>C on transcript NM_001081.4 (MANE Select); coding-DNA position 182, T replaced by C.
Protein change: p.Ile61Thr; replaces isoleucine 61 with threonine.
Molecular consequence: missense variant.
Genome position (GRCh38, 1-based): chr10:17,129,191, A>G on the plus strand (T>C on the coding strand, the complement: CUBN is on the minus strand). VCF-style: chr10-17129191-A-G. GRCh37 (hg19) VCF-style: chr10-17171190-A-G.
Other names: short protein forms I61T.
Identifiers: ClinVar variation 4526356 (VCV004526356.1).